The following is an entry in ClinVar:

NM_004385.5(VCAN):c.9266-5G>A

Genes: VCAN (versican; plus strand), VCAN-AS1 (VCAN antisense RNA 1; minus strand). Cytogenetic location: 5q14.3.
Variant type: single nucleotide variant.
Coding change: c.9266-5G>A on transcript NM_004385.5 (MANE Select); 5 bases into the intron before coding-DNA position 9266, G replaced by A.
Molecular consequence: intron variant.
Genome position (GRCh38, 1-based): chr5:83,545,532, G>A. VCF-style: chr5-83545532-G-A. GRCh37 (hg19) VCF-style: chr5-82841351-G-A.
Other names: c.4004-5G>A (NM_001164098.2); c.6305-5G>A (NM_001164097.2); c.1043-5G>A (NM_001126336.3).
Identifiers: ClinVar variation 3670154 (VCV003670154.3).
Genomic context (GRCh38, chr5:83,545,532, plus strand): 5'-GCTAAAATACACGCAAACATTAGAGACGAGCCTAACTGCTTTTCTTACTTTCCTGAATAT[G>A]GTAGGACCTGATCGCTGCAAAATGAACCCGTGCCTTAACGGAGGCACCTGTTATCCTACT-3'

ClinVar aggregate classification (germline): Uncertain significance. Review status: criteria provided, multiple submitters, no conflicts (2 of 4 stars). 2 submissions from 2 submitters: Uncertain significance (2). Last evaluated 2025-01-29.

Conditions:
Wagner disease. Also called: WAGNER SYNDROME 1; HYALOIDEORETINAL DEGENERATION OF WAGNER; WAGNER VITREORETINAL DEGENERATION; Wagner syndrome; WAGNER VITREORETINOPATHY; Wagner Vitreoretinal Degeneration (Wagner Synrdome). Identifiers: Orphanet 898, MedGen C1840452, MONDO:0007740, OMIM 143200.

gnomAD v4.1: 4 of 1,612,982 alleles (0.00025%); highest among the groups gnomAD compares: East Asian, 0.0022%; no homozygotes.

Submissions (2):

ARUP Laboratories, Molecular Genetics and Genomics, ARUP Laboratories
Classification: Uncertain significance for Wagner disease. Last evaluated: 2025-01-29. Review status: criteria provided, single submitter. Criteria: ARUP Molecular Germline Variant Investigation Process 2024. Collection method: clinical testing. Allele origin: germline.
Comment: The VCAN c.9266-5G>A variant (rs770007700), to our knowledge, is not reported in the medical literature or gene specific databases. This variant is only observed on one allele in the Genome Aggregation Database (v2.1.1), indicating it is not a common polymorphism. This is an intronic variant and computational analyses (Alamut Visual Plus v.1.11) predict that this variant may impact splicing by creating a novel cryptic acceptor splice site. However, given the lack of clinical and functional data, the significance of this variant is uncertain at this time.

Labcorp Genetics (formerly Invitae), Labcorp
Classification: Uncertain significance. Last evaluated: 2024-04-01. Review status: criteria provided, single submitter. Criteria: Invitae Variant Classification Sherloc (09022015). Collection method: clinical testing. Allele origin: germline.
Comment: This sequence change falls in intron 8 of the VCAN gene. It does not directly change the encoded amino acid sequence of the VCAN protein. This variant is present in population databases (rs770007700, gnomAD 0.006%). This variant has not been reported in the literature in individuals affected with VCAN-related conditions. Algorithms developed to predict the effect of sequence changes on RNA splicing suggest that this variant may disrupt the consensus splice site. In summary, the available evidence is currently insufficient to determine the role of this variant in disease. Therefore, it has been classified as a Variant of Uncertain Significance.